The following is an entry in ClinVar:

ClinVar aggregate classification (germline): Conflicting classifications of pathogenicity. Review status: criteria provided, conflicting classifications (1 of 4 stars). 4 submissions from 4 submitters: Uncertain significance (3); Likely benign (1). Last evaluated 2026-04-23.

Conditions:
DOCK6-related disorder. Also called: DOCK6-related condition.
Inborn genetic diseases. Identifiers: MedGen C0950123, MeSH D030342.
Adams-Oliver syndrome 2 (AOS2). Identifiers: Orphanet 974, MedGen C3280182, MONDO:0013635, OMIM 614219.

Allele frequency attached by ClinVar (database versions not stated): TOPMed 0.00006; gnomAD 0.00003; ExAC 0.00005; gnomAD exomes 0.00005.

Submissions (4):

PreventionGenetics, part of Exact Sciences
Classification: Uncertain significance for DOCK6-related condition. Last evaluated: 2026-04-23. Review status: criteria provided, single submitter. Criteria: ACMG Guidelines, 2015. Collection method: clinical testing. Allele origin: germline.
Comment: The DOCK6 c.5174C>T variant is predicted to result in the amino acid substitution p.Ala1725Val. To our knowledge, this variant has not been reported in the literature. This variant is reported in 0.028% of alleles in individuals of East Asian descent in gnomAD. At this time, the clinical significance of this variant is uncertain due to the absence of conclusive functional and genetic evidence.

3billion
Classification: Likely benign for Adams-Oliver syndrome 2. Last evaluated: 2024-09-20. Review status: criteria provided, single submitter. Criteria: ACMG Guidelines, 2015. Collection method: clinical testing. Allele origin: germline. Affected: no.
Comment: The homozygous variant was found in patients diagnosed with another variant in a different gene, with no symptoms related to the gene containing the homozygous variant.

Labcorp Genetics (formerly Invitae), Labcorp
Classification: Uncertain significance. Last evaluated: 2022-08-08. Review status: criteria provided, single submitter. Criteria: Invitae Variant Classification Sherloc (09022015). Collection method: clinical testing. Allele origin: germline.
Comment: This sequence change replaces alanine, which is neutral and non-polar, with valine, which is neutral and non-polar, at codon 1725 of the DOCK6 protein (p.Ala1725Val). This variant is present in population databases (rs776302141, gnomAD 0.03%). This variant has not been reported in the literature in individuals affected with DOCK6-related conditions. Algorithms developed to predict the effect of missense changes on protein structure and function output the following: SIFT: "Tolerated"; PolyPhen-2: "Benign"; Align-GVGD: "Class C0". The valine amino acid residue is found in multiple mammalian species, which suggests that this missense change does not adversely affect protein function. In summary, the available evidence is currently insufficient to determine the role of this variant in disease. Therefore, it has been classified as a Variant of Uncertain Significance.

Ambry Genetics
Classification: Uncertain significance for Inborn genetic diseases. Last evaluated: 2021-06-07. Review status: criteria provided, single submitter. Criteria: Ambry Variant Classification Scheme 2023. Collection method: clinical testing. Allele origin: germline.

NM_020812.4(DOCK6):c.5174C>T (p.Ala1725Val)

Genes: DOCK6 (dedicator of cytokinesis 6; minus strand), DOCK6-AS1 (DOCK6 antisense RNA 1; plus strand). Cytogenetic location: 19p13.2.
Variant type: single nucleotide variant.
Coding change: c.5174C>T on transcript NM_020812.4 (MANE Select); coding-DNA position 5174, C replaced by T.
Protein change: p.Ala1725Val; replaces alanine 1725 with valine.
Molecular consequence: missense variant.
Genome position (GRCh38, 1-based): chr19:11,204,246, G>A on the plus strand (C>T on the coding strand, the complement: DOCK6 is on the minus strand). VCF-style: chr19-11204246-G-A. GRCh37 (hg19) VCF-style: chr19-11314922-G-A.
Other names: c.5174C>T (NM_020812.3); c.5279C>T, p.Ala1760Val (NM_001367830.1); short protein forms A1760V, A1725V.
Identifiers: ClinVar variation 1981536 (VCV001981536.4), dbSNP rs776302141, ClinGen allele CA9206604.